The following is an entry in ClinVar:

ClinVar aggregate classification (germline): Uncertain significance (1 of 4 stars; one submission).

Conditions:
Hereditary cancer-predisposing syndrome. Also called: Neoplastic Syndromes, Hereditary; Tumor predisposition; Hereditary Cancer Syndrome; Hereditary neoplastic syndrome. Identifiers: Orphanet 140162, MedGen C0027672, MeSH D009386, MONDO:0015356.

Submission:

Ambry Genetics
Classification: Uncertain significance for Hereditary cancer-predisposing syndrome. Last evaluated: 2025-10-01. Review status: criteria provided, single submitter. Criteria: Ambry Variant Classification Scheme 2023. Collection method: clinical testing. Allele origin: germline.
Comment: The p.N73S variant (also known as c.218A>G), located in coding exon 2 of the EGFR gene, results from an A to G substitution at nucleotide position 218. The asparagine at codon 73 is replaced by serine, an amino acid with highly similar properties. This amino acid position is conserved. In addition, this alteration is predicted to be tolerated by in silico analysis. Based on the available evidence, the clinical significance of this variant remains unclear.

NM_005228.5(EGFR):c.218A>G (p.Asn73Ser)

Gene: EGFR (epidermal growth factor receptor; plus strand). Cytogenetic location: 7p11.2.
Variant type: single nucleotide variant.
Coding change: c.218A>G on transcript NM_005228.5 (MANE Select); coding-DNA position 218, A replaced by G.
Protein change: p.Asn73Ser; replaces asparagine 73 with serine.
Molecular consequence: missense variant. On other transcripts: intron variant (1).
Genome position (GRCh38, 1-based): chr7:55,142,415, A>G. VCF-style: chr7-55142415-A-G. GRCh37 (hg19) VCF-style: chr7-55210108-A-G.
Other names: c.218A>G, p.Asn73Ser (NM_001346897.2, NM_001346898.2, NM_001346899.2 and 3 more transcripts); c.59A>G, p.Asn20Ser (NM_001346900.2); c.89-13415A>G (NM_001346941.2); short protein forms N20S, N73S.
Identifiers: ClinVar variation 4638657 (VCV004638657.1).